The following is an entry in ClinVar:

NM_001267550.2(TTN):c.14189G>A (p.Arg4730Gln)

Gene: TTN (titin; minus strand). Cytogenetic location: 2q31.2.
Variant type: single nucleotide variant.
Coding change: c.14189G>A on transcript NM_001267550.2 (MANE Select); coding-DNA position 14189, G replaced by A.
Protein change: p.Arg4730Gln; replaces arginine 4730 with glutamine.
Molecular consequence: missense variant.
Genome position (GRCh38, 1-based): chr2:178,738,264, C>T on the plus strand (G>A on the coding strand, the complement: TTN is on the minus strand). VCF-style: chr2-178738264-C-T. GRCh37 (hg19) VCF-style: chr2-179602991-C-T.
Other names: c.10457G>A, p.Arg3486Gln (NM_133378.4); c.13238G>A, p.Arg4413Gln (NM_001256850.1); c.13100G>A, p.Arg4367Gln (NM_003319.4); c.13475G>A, p.Arg4492Gln (NM_133432.3); c.13676G>A, p.Arg4559Gln (NM_133437.4); short protein forms R4730Q, R3486Q, R4367Q, R4413Q, R4559Q, R4492Q.
Identifiers: ClinVar variation 46584 (VCV000046584.14), dbSNP rs202017278, ClinGen allele CA138666.
Genomic context (GRCh38, chr2:178,738,264, plus strand): 5'-GATCGAATAGAACACTTGTCACTCTCATAAATTTCTCGGCCAGCTTTAAACCACTGGAAC[C>T]GGACATTGGGAGCACTTTGGATCTCACAGGTGAATTTGGCTAGGTGGCCCAGTGCTACTT-3'
Protein context (NP_001254479.2, residues 4720-4740): TCEIQSAPNV[Arg4730Gln]FQWFKAGREI

ClinVar aggregate classification (germline): Conflicting classifications of pathogenicity. Review status: criteria provided, conflicting classifications (1 of 4 stars). 6 submissions from 6 submitters: Uncertain significance (5); Likely benign (1). Last evaluated 2026-02-11.

Conditions:
TTN-related disorder. Also called: TTN-related condition; TTN-related disease; TTN-related disorders.
Autosomal recessive limb-girdle muscular dystrophy type 2J (LGMDR10). Also called: Limb-girdle muscular dystrophy, type 2J; MUSCULAR DYSTROPHY, LIMB-GIRDLE, AUTOSOMAL RECESSIVE 10. Identifiers: Orphanet 140922, MedGen C1837342, MONDO:0012127, OMIM 608807.
Dilated cardiomyopathy 1G (CMD1G). Identifiers: Orphanet 154, MedGen C1858763, MONDO:0011400, OMIM 604145.

Allele frequency attached by ClinVar (database versions not stated): ExAC 0.00002; gnomAD exomes 0.00002; gnomAD 0.00004; TOPMed 0.00004.
gnomAD v4.1: 131 of 1,613,416 alleles (0.0081%); highest among the groups gnomAD compares: Middle Eastern, 0.016%; no homozygotes.

Submissions (6):

PreventionGenetics, part of Exact Sciences
Classification: Uncertain significance for TTN-related condition. Last evaluated: 2026-02-11. Review status: criteria provided, single submitter. Criteria: ACMG Guidelines, 2015. Collection method: clinical testing. Allele origin: germline.
Comment: The TTN c.14189G>A variant is predicted to result in the amino acid substitution p.Arg4730Gln. To our knowledge, this variant has not been reported in the literature. This variant is reported in 0.012% of alleles in individuals of African descent in gnomAD. At this time, the clinical significance of this variant is uncertain due to the absence of conclusive functional and genetic evidence.

Revvity Omics, Revvity
Classification: Uncertain significance. Last evaluated: 2025-05-27. Review status: criteria provided, single submitter. Criteria: ACMG Guidelines, 2015. Collection method: clinical testing. Allele origin: germline.

GeneDx
Classification: Likely benign. Last evaluated: 2019-10-01. Review status: criteria provided, single submitter. Criteria: GeneDx Variant Classification Process June 2021. Collection method: clinical testing. Allele origin: germline. Affected: yes.

Labcorp Genetics (formerly Invitae), Labcorp
Classification: Uncertain significance for Dilated cardiomyopathy 1G; Autosomal recessive limb-girdle muscular dystrophy type 2J. Last evaluated: 2016-12-24. Review status: criteria provided, single submitter. Criteria: Invitae Variant Classification Sherloc (09022015). Collection method: clinical testing. Allele origin: germline.

Laboratory for Molecular Medicine, Mass General Brigham Personalized Medicine
Classification: Uncertain significance. Last evaluated: 2014-07-16. Review status: criteria provided, single submitter. Criteria: LMM Criteria. Collection method: clinical testing. Allele origin: germline. Observed: 2 variant alleles.
Comment: Computational prediction tools and conservation analysis sugg est that this variant may not impact the protein, though this information is not predictive enough to rule out pathogenicity. In summary, the clinical significa nce of the Arg3486Gln variant is uncertain.

Biesecker Lab/Clinical Genomics Section, National Institutes of Health
Classification: Uncertain significance. Last evaluated: 2013-06-24. Review status: criteria provided, single submitter. Criteria: Ng et al. (Circ Cardiovasc Genet. 2013). Collection method: research. Allele origin: unknown. Observed: 1 variant allele. Study: ClinSeq.
Comment: The study set was not selected for affection status in relation to any cancer. Pathogenicity categories were based on literature curation. See Pubmed ID:23861362 for details.

Medical sequencing